The following is an entry in ClinVar:

ClinVar aggregate classification (germline): Likely pathogenic (1 of 4 stars; one submission).

Conditions:
Inborn genetic diseases. Identifiers: MedGen C0950123, MeSH D030342.

Submission:

Ambry Genetics
Classification: Likely pathogenic for Inborn genetic diseases. Last evaluated: 2021-06-08. Review status: criteria provided, single submitter. Criteria: Ambry Variant Classification Scheme 2023. Collection method: clinical testing. Allele origin: germline.
Comment: The c.141T>G (p.Y47*) alteration, located in exon 3 (coding exon 2) of the POMT1 gene, consists of a T to G substitution at nucleotide position 141. This changes the amino acid from a tyrosine (Y) to a stop codon at amino acid position 47. The predicted stop codon occurs in the 5' end of the POMT1 gene. Premature termination codons in the 5&rsquo; end of a gene have been reported to escape nonsense-mediated mRNA decay and/or lead to re-initiation (Rivas, 2015; Lindeboom, 2016; Rhee, 2017). Direct evidence for this alteration is unavailable, however premature termination codons are typically deleterious in nature. Based on data from the Genome Aggregation Database (gnomAD), the POMT1 c.141T>G alteration was not observed, with coverage at this position. Based on the available evidence, this alteration is classified as likely pathogenic.

Literature cited by the submitters: PubMed 25954003; PubMed 27618451; PubMed 28490743.

NM_001077365.2(POMT1):c.141T>G (p.Tyr47Ter)

Gene: POMT1 (protein O-mannosyltransferase 1; plus strand). Cytogenetic location: 9q34.13.
Variant type: single nucleotide variant.
Coding change: c.141T>G on transcript NM_001077365.2 (MANE Select); coding-DNA position 141, T replaced by G.
Protein change: p.Tyr47Ter; replaces tyrosine 47 with a stop codon.
Molecular consequence: nonsense. On other transcripts: 5 prime UTR variant (6), non-coding transcript variant (7), intron variant (8).
Genome position (GRCh38, 1-based): chr9:131,506,132, T>G. VCF-style: chr9-131506132-T-G. GRCh37 (hg19) VCF-style: chr9-134381519-T-G.
Other names: c.-22T>G (NM_001077366.2, NM_001353194.2, NM_001353197.2 and 3 more transcripts); c.141T>G, p.Tyr47Ter (NM_001136113.2, NM_001353193.2, NM_001374690.1 and 1 more transcripts); c.-71-1236T>G (NM_001374691.1, NM_001374692.1); c.123-271T>G (NM_001353196.2); c.-122-271T>G (NM_001353195.2, NM_001353199.2, NM_001136114.2); c.-30+1792T>G (NM_001374695.1); c.-80-271T>G (NM_001353200.2); short protein forms Y47*.
Identifiers: ClinVar variation 2231313 (VCV002231313.2), dbSNP rs752941420, ClinGen allele CA375305569.